The following is an entry in ClinVar:

NM_005228.5(EGFR):c.3622A>T (p.Ile1208Phe)

Gene: EGFR (epidermal growth factor receptor; plus strand). Cytogenetic location: 7p11.2.
Variant type: single nucleotide variant.
Coding change: c.3622A>T on transcript NM_005228.5 (MANE Select); coding-DNA position 3622, A replaced by T.
Protein change: p.Ile1208Phe; replaces isoleucine 1208 with phenylalanine.
Molecular consequence: missense variant.
Genome position (GRCh38, 1-based): chr7:55,205,606, A>T. VCF-style: chr7-55205606-A-T. GRCh37 (hg19) VCF-style: chr7-55273299-A-T.
Other names: c.3487A>T, p.Ile1163Phe (NM_001346899.2); c.3463A>T, p.Ile1155Phe (NM_001346900.2); c.2821A>T, p.Ile941Phe (NM_001346941.2); short protein forms I941F, I1208F, I1155F, I1163F.
Identifiers: ClinVar variation 3843815 (VCV003843815.1).

ClinVar aggregate classification (germline): Uncertain significance (1 of 4 stars; one submission).

Conditions:
Hereditary cancer-predisposing syndrome. Also called: Hereditary neoplastic syndrome; Neoplastic Syndromes, Hereditary; Tumor predisposition; Hereditary Cancer Syndrome. Identifiers: Orphanet 140162, MedGen C0027672, MeSH D009386, MONDO:0015356.

gnomAD v4.1: 1 of 1,614,180 alleles (0.000062%); highest among the groups gnomAD compares: Non-Finnish European, 0.000085%; no homozygotes.

Submission:

Ambry Genetics
Classification: Uncertain significance for Hereditary cancer-predisposing syndrome. Last evaluated: 2025-01-27. Review status: criteria provided, single submitter. Criteria: Ambry Variant Classification Scheme 2023. Collection method: clinical testing. Allele origin: germline.
Comment: The p.I1208F variant (also known as c.3622A>T), located in coding exon 28 of the EGFR gene, results from an A to T substitution at nucleotide position 3622. The isoleucine at codon 1208 is replaced by phenylalanine, an amino acid with highly similar properties. This amino acid position is conserved. In addition, this alteration is predicted to be tolerated by in silico analysis. Based on the available evidence, the clinical significance of this variant remains unclear.